The following is an entry in ClinVar:

NC_000018.9:g.(?_29178511)_(29178638_?)dup

Gene: TTR (transthyretin; plus strand). Cytogenetic location: 18q12.1.
Variant type: Duplication.
Identifiers: ClinVar variation 3242761 (VCV003242761.1).

ClinVar aggregate classification (germline): Uncertain significance (1 of 4 stars; one submission).

Conditions:
Amyloidosis, hereditary systemic 1 (AMYLD1). Also called: Familial amyloid polyneuropathy; Transthyretin Amyloidosis; AMYLOID CARDIOMYOPATHY; Hereditary Transthyretin Amyloidosis; Hereditary oculoleptomeningeal amyloid angiopathy; Familial Transthyretin Amyloidosis. Identifiers: Orphanet 85447, Orphanet 85451, MedGen C2751492, MONDO:0971004, OMIM 105210.

Submission:

Labcorp Genetics (formerly Invitae), Labcorp
Classification: Uncertain significance for Amyloidosis, hereditary systemic 1. Last evaluated: 2023-07-07. Review status: criteria provided, single submitter. Criteria: Invitae Variant Classification Sherloc (09022015). Collection method: clinical testing. Allele origin: unknown.
Comment: This variant has not been reported in the literature in individuals affected with TTR-related conditions. This variant results in a copy number gain of the genomic region encompassing exon(s) 4 of the TTR gene. This region includes the termination codon of the gene. This copy number gain extends beyond the assayed region for this gene and therefore may encompass additional genes. As the precise location of this event is unknown, it may be in tandem or it may be located elsewhere in the genome. Experimental studies and prediction algorithms are not available or were not evaluated, and the functional significance of this variant is currently unknown. In summary, the available evidence is currently insufficient to determine the role of this variant in disease. Therefore, it has been classified as a Variant of Uncertain Significance.